The following is an entry in ClinVar:

ClinVar aggregate classification (germline): Uncertain significance. Review status: criteria provided, multiple submitters, no conflicts (2 of 4 stars). 3 submissions from 3 submitters: Uncertain significance (3). Last evaluated 2025-07-15.

Allele frequency attached by ClinVar (database versions not stated): gnomAD exomes 0.00002; ExAC 0.00003; gnomAD 0.00003 and 0.00004; TOPMed 0.00003.
gnomAD v4.1: 29 of 1,613,996 alleles (0.0018%); highest among the groups gnomAD compares: African/African-American, 0.0027%; no homozygotes.

Submissions (3):

Labcorp Genetics (formerly Invitae), Labcorp
Classification: Uncertain significance. Last evaluated: 2025-07-15. Review status: criteria provided, single submitter. Criteria: Invitae Variant Classification Sherloc (09022015). Collection method: clinical testing. Allele origin: germline.
Comment: This sequence change replaces arginine, which is basic and polar, with cysteine, which is neutral and slightly polar, at codon 3457 of the ANK3 protein (p.Arg3457Cys). This variant is present in population databases (rs777814492, gnomAD 0.005%). This variant has not been reported in the literature in individuals affected with ANK3-related conditions. ClinVar contains an entry for this variant (Variation ID: 423413). Invitae Evidence Modeling of protein sequence and biophysical properties (such as structural, functional, and spatial information, amino acid conservation, physicochemical variation, residue mobility, and thermodynamic stability) indicates that this missense variant is not expected to disrupt ANK3 protein function with a negative predictive value of 80%. In summary, the available evidence is currently insufficient to determine the role of this variant in disease. Therefore, it has been classified as a Variant of Uncertain Significance.

CeGaT Center for Human Genetics Tuebingen
Classification: Uncertain significance. Last evaluated: 2024-10-01. Review status: criteria provided, single submitter. Criteria: CeGaT Center For Human Genetics Tuebingen Variant Classification Criteria Version 2. Collection method: clinical testing. Allele origin: germline. Affected: yes. Observed: 1 variant allele.

GeneDx
Classification: Uncertain significance. Last evaluated: 2018-07-20. Review status: criteria provided, single submitter. Criteria: GeneDx Variant Classification (06012015). Collection method: clinical testing. Allele origin: germline. Affected: yes.
Comment: The R3457C variant in the ANK3 gene has not been reported previously as a pathogenic variant, nor as a benign variant, to our knowledge. The R3457Cvariant is not observed at a significant frequency in large population cohorts (Lek et al., 2016; 1000 Genomes Consortium et al., 2015; Exome Variant Server). The R3457C variant is a non-conservative amino acid substitution, which is likely to impact secondary protein structure as these residues differ in polarity, charge, size and/or other properties. This substitution occurs at a position that is conserved across species. However, in silico analysis is inconsistent in its predictions as to whether or not the variant is damaging to the protein structure/function. We interpret R3457C as a variant of uncertain significance.

NM_020987.5(ANK3):c.10369C>T (p.Arg3457Cys)

Gene: ANK3 (ankyrin 3; minus strand). Cytogenetic location: 10q21.2.
Variant type: single nucleotide variant.
Coding change: c.10369C>T on transcript NM_020987.5 (MANE Select); coding-DNA position 10369, C replaced by T.
Protein change: p.Arg3457Cys; replaces arginine 3457 with cysteine.
Molecular consequence: missense variant. On other transcripts: intron variant (4).
Genome position (GRCh38, 1-based): chr10:60,070,512, G>A on the plus strand (C>T on the coding strand, the complement: ANK3 is on the minus strand). VCF-style: chr10-60070512-G-A. GRCh37 (hg19) VCF-style: chr10-61830270-G-A.
Other names: c.4388-2503C>T (NM_001204403.2); c.4409-2503C>T (NM_001204404.2); c.4406-2503C>T (NM_001320874.2); c.1808-2503C>T (NM_001149.4); short protein forms R3457C.
Identifiers: ClinVar variation 423413 (VCV000423413.17), dbSNP rs777814492, ClinGen allele CA5511258.